The following is an entry in ClinVar:

ClinVar aggregate classification (germline): Uncertain significance (1 of 4 stars; one submission).

Conditions:
ALMS1-related disorder. Also called: ALMS1-related condition.

Submission:

PreventionGenetics, part of Exact Sciences
Classification: Uncertain significance for ALMS1-related condition. Last evaluated: 2026-06-22. Review status: criteria provided, single submitter. Criteria: ACMG Guidelines, 2015. Collection method: clinical testing. Allele origin: germline.
Comment: The ALMS1 c.7216A>G variant is predicted to result in the amino acid substitution p.Met2406Val. To our knowledge, this variant has not been reported in the literature or in a large population database (gnomAD), indicating this variant is rare. At this time, the clinical significance of this variant is uncertain due to the absence of conclusive functional and genetic evidence.

NM_001378454.1(ALMS1):c.7213A>G (p.Ile2405Val)

Gene: ALMS1 (ALMS1 centrosome and basal body associated protein; plus strand). Cytogenetic location: 2p13.1.
Variant type: single nucleotide variant.
Coding change: c.7213A>G on transcript NM_001378454.1 (MANE Select); coding-DNA position 7213, A replaced by G.
Protein change: p.Ile2405Val; replaces isoleucine 2405 with valine.
Molecular consequence: missense variant.
Genome position (GRCh38, 1-based): chr2:73,453,740, A>G. VCF-style: chr2-73453740-A-G. GRCh37 (hg19) VCF-style: chr2-73680867-A-G.
Other names: c.7216A>G, p.Ile2406Val (NM_015120.4); short protein forms I2406V, I2405V.
Identifiers: ClinVar variation 4991121 (VCV004991121.1).